The following is an entry in ClinVar:

ClinVar aggregate classification (germline): Pathogenic/Likely pathogenic. Review status: criteria provided, multiple submitters, no conflicts (2 of 4 stars). 18 submissions from 18 submitters: Pathogenic (8); Likely pathogenic (9). 1 of the submissions does not count toward it. Last evaluated 2026-09-28.

Conditions:
ATP7B-related disorder. Also called: ATP7B-related condition.
Wilson disease (WND). Also called: Wilson's disease. Identifiers: Orphanet 905, MedGen C0019202, MONDO:0010200, OMIM 277900. Disease mechanism: loss of function.

Allele frequency attached by ClinVar (database versions not stated): gnomAD exomes 0.00002 and 0.00006; TOPMed 0.00003; ExAC 0.00004; gnomAD 0.00004.
gnomAD v4.1: 40 of 1,613,994 alleles (0.0025%); highest among the groups gnomAD compares: Admixed American, 0.018%; 1 homozygote.

Submissions 1 to 8 of 18:

GeneDx
Classification: Pathogenic. Last evaluated: 2026-09-28. Review status: criteria provided, single submitter. Criteria: GeneDx Variant Classification Process June 2021. Collection method: clinical testing. Allele origin: germline.
Comment: Published functional studies demonstrate a damaging effect, as variant leads to yeast growth under conditions of low-affinity iron uptake (PMID: 21645214); In silico analysis supports that this missense variant has a deleterious effect on protein structure/function; This variant is associated with the following publications: (PMID: 24253677, 31589614, 22692182, 17949296, 26215059, 22484412, 21645214, 23333878, 32231684, 39380106, 39719440, 30275481, 23089210, 15147237, 27022412, 23235335, 34470610, 34620762, Rosa[article]2021, 40661833, 39502306, 39394633, 34428338, 37681011, 36071243, 22895193, 27992490, 30232804, Jiang2025[casereport], 41536511, 39020067, 27398169, 35220961)

Women's Health and Genetics/Laboratory Corporation of America, LabCorp
Classification: Pathogenic for Wilson disease. Last evaluated: 2026-05-01. Review status: criteria provided, single submitter. Criteria: LabCorp Variant Classification Summary - May 2015. Collection method: clinical testing. Allele origin: germline.
Comment: Variant summary: ATP7B c.3451C>T (p.Arg1151Cys) results in a non-conservative amino acid change in the encoded protein sequence. Algorithms developed to predict the effect of missense changes on protein structure and function all suggest that this variant is likely to be disruptive. The variant allele was found at a frequency of 5.6e-05 in 250320 control chromosomes (gnomAD). This frequency is not significantly higher than estimated for disease-causing variants in ATP7B, allowing no conclusion about variant significance. c.3451C>T has been observed in multiple individuals affected with Wilson Disease (Lepori_2007, Lee_2011, Lepori_2012, Li_2013, Simsek_2013, Palominos_2013). These data indicate that the variant is very likely to be associated with disease. At least one publication reports experimental evidence evaluating an impact on protein function and this variant affects ATP7B protein function (Lee_2011). The following publications have been ascertained in the context of this evaluation (PMID: 17949296, 22692182, 21645214, 22484412, 23235335, NOT_FOUND, 23333878, 24253677, 22895193). ClinVar contains an entry for this variant (Variation ID: 188839). Based on the evidence outlined above, the variant was classified as pathogenic.

Natera, Inc.
Classification: Pathogenic for Wilson disease. Last evaluated: 2026-01-13. Review status: criteria provided, single submitter. Criteria: Natera Variant Classification Schema (03/2026). Collection method: clinical testing. Allele origin: germline.
Comment: The c.3451C>T variant in ATP7B is a missense variant predicted to cause substitution of arginine to cysteine at amino acid 1151. This variant is rare in the general population with a frequency below the threshold expected for the associated phenotype(s). This variant has been observed in one or more individuals affected with the associated recessive disease, as either homozygous or compound heterozygous with a second variant (PMID: 23333878, 35220961, 30232804, 27398169, 27992490). Computational prediction algorithms indicate this variant is likely to affect gene or protein function. Given the available evidence, this variant is classified as Pathogenic.

Labcorp Genetics (formerly Invitae), Labcorp
Classification: Pathogenic for Wilson disease. Last evaluated: 2025-11-06. Review status: criteria provided, single submitter. Criteria: Invitae Variant Classification Sherloc (09022015). Collection method: clinical testing. Allele origin: germline.
Comment: This sequence change replaces arginine, which is basic and polar, with cysteine, which is neutral and slightly polar, at codon 1151 of the ATP7B protein (p.Arg1151Cys). This variant is present in population databases (rs755554442, gnomAD 0.02%). This missense change has been observed in individual(s) with Wilson disease (PMID: 17949296, 21645214, 23333878, 27398169). ClinVar contains an entry for this variant (Variation ID: 188839). Invitae Evidence Modeling of protein sequence and biophysical properties (such as structural, functional, and spatial information, amino acid conservation, physicochemical variation, residue mobility, and thermodynamic stability) indicates that this missense variant is expected to disrupt ATP7B protein function with a positive predictive value of 80%. Experimental studies have shown that this missense change affects ATP7B function (PMID: 21645214). This variant disrupts the p.Arg1151 amino acid residue in ATP7B. Other variant(s) that disrupt this residue have been determined to be pathogenic (PMID: 10544227, 15205462, 30655162). This suggests that this residue is clinically significant, and that variants that disrupt this residue are likely to be disease-causing. For these reasons, this variant has been classified as Pathogenic.

Genomic Medicine Center of Excellence, King Faisal Specialist Hospital and Research Centre
Classification: Pathogenic for Wilson disease. Last evaluated: 2025-09-10. Review status: criteria provided, single submitter. Criteria: ACMG Guidelines, 2015. Collection method: clinical testing. Allele origin: germline.

Revvity Omics, Revvity
Classification: Likely pathogenic for Wilson disease. Last evaluated: 2025-07-29. Review status: criteria provided, single submitter. Criteria: ACMG Guidelines, 2015. Collection method: clinical testing. Allele origin: germline.

Color Diagnostics, LLC DBA Color Health
Classification: Pathogenic for Wilson disease. Last evaluated: 2025-06-02. Review status: criteria provided, single submitter. Criteria: ACMG Guidelines, 2015. Collection method: clinical testing. Allele origin: germline.
Comment: This missense variant replaces arginine with cysteine at codon 1151 of the ATP7B protein. Computational prediction suggests that this variant may have deleterious impact on protein structure and function. This variant alters a conserved arginine residue in the ATP nucleotide-binding domain of the ATP7B protein (a.a. 1032-1196), a highly conserved region that is considered to be important for ATP7B protein function (PMID: 35245129ClinVar). A functional study has shown that this variant results in abnormal function in yeast complementation and growth assays (PMID: 21645214). This variant has been reported in many individuals affected with Wilson disease (PMID: 17949296, 21645214, 22484412, 23235335, 23333878, 26215059, 27398169, 27022412, 34428338, 34620762DOI:10.46531/sinapse/AO/210033/2021). In some of these individuals, this variant has been determined to be homozygous or compound heterozygous with another pathogenic variant in the same gene (PMID: 22484412, 23333878, 26215059), indicating that this variant contributes to Wilson disease in an autosomal recessive manner. This variant has been identified in 14/249588 chromosomes in the general population by the Genome Aggregation Database (gnomAD). Based on the available evidence, this variant is classified as Pathogenic.

PreventionGenetics, part of Exact Sciences
Classification: Likely pathogenic for ATP7B-related condition. Last evaluated: 2024-11-04. Review status: criteria provided, single submitter. Criteria: ACMG Guidelines, 2015. Collection method: clinical testing. Allele origin: germline.
Comment: The ATP7B c.3451C>T variant is predicted to result in the amino acid substitution p.Arg1151Cys. This variant has been reported in multiple individuals with Wilson disease (WD, see for example, Lepori et al. 2007. PubMed ID: 17949296, Hua et al. 2016. PubMed ID: 27398169; Lerente-Arencibia et al. 2022. PMID: 34620762). It is unclear based on the literature if these variants were seen in a homozygous, compound heterozygous, or multiallelic state. However, the variant has been reported with a second pathogenic variant in at least three patients with clinical and biochemical features consistent with WD (Simsek Papur et al. 2013. PubMed ID: 23333878; Tables S1 and S2, Zhang et al. 2022. PubMed ID: 35220961). In vitro functional characterization suggests that this variant is deleterious (Lee et al. 2011. PubMed ID: 21645214). Alternate nucleotide changes affecting the same amino acid (p.Arg1151His, p.Arg1151Gly) have been reported in individuals with WD (see for example, Morgan et al. 2004. PubMed ID: 15205462, Loudianos et al. 1999. PubMed ID: 10544227, Dong et al. 2016. PubMed ID: 27022412). The c.3451C>T variant is located in exon 16, where a large number of ATP7B variants have been associated with disease (Li. 2021. PubMed ID: 34470610). This variant is reported in 0.020% of alleles in individuals of Latino descent in gnomAD and has consistently been classified as likely pathogenic or pathogenic in ClinVar. Overall, the collective evidence suggests that this variant is likely pathogenic.

NM_000053.4(ATP7B):c.3451C>T (p.Arg1151Cys)

Gene: ATP7B (ATPase copper transporting beta; minus strand). Cytogenetic location: 13q14.3.
Variant type: single nucleotide variant.
Coding change: c.3451C>T on transcript NM_000053.4 (MANE Select); coding-DNA position 3451, C replaced by T.
Protein change: p.Arg1151Cys; replaces arginine 1151 with cysteine.
Molecular consequence: missense variant.
Genome position (GRCh38, 1-based): chr13:51,941,186, G>A on the plus strand (C>T on the coding strand, the complement: ATP7B is on the minus strand). VCF-style: chr13-51941186-G-A. GRCh37 (hg19) VCF-style: chr13-52515322-G-A.
Other names: c.2830C>T, p.Arg944Cys (NM_001005918.3); c.3118C>T, p.Arg1040Cys (NM_001243182.2); c.3217C>T, p.Arg1073Cys (NM_001330578.2); c.3199C>T, p.Arg1067Cys (NM_001330579.2); short protein forms R1151C, R1040C, R1067C, R944C, R1073C.
Identifiers: ClinVar variation 188839 (VCV000188839.45), dbSNP rs755554442, ClinGen allele CA274020.
Genomic context (GRCh38, chr13:51,941,186, plus strand): 5'-CTGTCATAGCGTCACTGACATCGCTAGAAATGGTTAAACCGTTGCGCCTCAGCCACTCAC[G>A]GTTTCCAATCAGCACAGAGAAGGTCTGGGGGACTGCATCTATTCAAAAGAGGCTGTGGTT-3'
Protein context (NP_000044.2, residues 1141-1161): PQTFSVLIGN[Arg1151Cys]EWLRRNGLTI